The following is an entry in ClinVar:

NM_014905.5(GLS):c.296C>A (p.Ala99Asp)

Genes: GLS (glutaminase; plus strand), LOC129935270 (ATAC-STARR-seq lymphoblastoid silent region 12188; plus strand). Cytogenetic location: 2q32.2.
Variant type: single nucleotide variant.
Coding change: c.296C>A on transcript NM_014905.5 (MANE Select); coding-DNA position 296, C replaced by A.
Protein change: p.Ala99Asp; replaces alanine 99 with aspartic acid.
Molecular consequence: missense variant.
Genome position (GRCh38, 1-based): chr2:190,881,380, C>A. VCF-style: chr2-190881380-C-A. GRCh37 (hg19) VCF-style: chr2-191746106-C-A.
Other names: c.296C>A, p.Ala99Asp (NM_001256310.2, NM_001437282.1, NM_001437283.1); short protein forms A99D.
Identifiers: ClinVar variation 4875426 (VCV004875426.2).

ClinVar aggregate classification (germline): Uncertain significance (1 of 4 stars; one submission).

gnomAD v4.1: 1 of 1,540,826 alleles (0.000065%); highest among the groups gnomAD compares: Non-Finnish European, 0.000087%; no homozygotes.

Submission:

CeGaT Center for Human Genetics Tuebingen
Classification: Uncertain significance. Last evaluated: 2026-06-01. Review status: criteria provided, single submitter. Criteria: CeGaT Center For Human Genetics Tuebingen Variant Classification Criteria Version 2. Collection method: clinical testing. Allele origin: germline. Affected: yes. Observed: 1 variant allele.
Comment: GLS: PM2